The following is an entry in ClinVar:

ClinVar aggregate classification (germline): Uncertain significance. Review status: criteria provided, single submitter (1 of 4 stars). 2 submissions from 2 submitters: Uncertain significance (1). 1 of the submissions does not count toward it. Last evaluated 2025-02-03.

Conditions:
TNFAIP3-related disorder. Also called: TNFAIP3-related condition.

Submissions (2):

Women's Health and Genetics/Laboratory Corporation of America, LabCorp
Classification: Uncertain significance. Last evaluated: 2025-02-03. Review status: criteria provided, single submitter. Criteria: LabCorp Variant Classification Summary - May 2015. Collection method: clinical testing. Allele origin: germline.
Comment: Variant summary: TNFAIP3 c.636C>T (p.Asp212Asp) alters a conserved nucleotide located close to a canonical splice site and therefore could affect mRNA splicing, leading to a significantly altered protein sequence. Consensus agreement among computation tools predict no significant impact on normal splicing. However, these predictions have yet to be confirmed by functional studies. The variant was absent in 249476 control chromosomes. The available data on variant occurrences in the general population are insufficient to allow any conclusion about variant significance. To our knowledge, no occurrence of c.636C>T in individuals affected with Autoinflammatory syndrome, familial, Behcet-like 1 and no experimental evidence demonstrating its impact on protein function have been reported. ClinVar contains an entry for this variant (Variation ID: 3061469). Based on the evidence outlined above, the variant was classified as uncertain significance.

PreventionGenetics, part of Exact Sciences
Classification: Likely benign for TNFAIP3-related condition. Last evaluated: 2021-11-12. Review status: no assertion criteria provided. Collection method: clinical testing. Allele origin: germline. Not counted in ClinVar's aggregate classification.
Comment: This variant is classified as likely benign based on ACMG/AMP sequence variant interpretation guidelines (Richards et al. 2015 PMID: 25741868, with internal and published modifications).

NM_001270508.2(TNFAIP3):c.636C>T (p.Asp212=)

Genes: TNFAIP3 (TNF alpha induced protein 3; plus strand), LOC126859807 (MED14-independent group 3 enhancer GRCh37_chr6:138196296-138197495; plus strand). Cytogenetic location: 6q23.3.
Variant type: single nucleotide variant.
Coding change: c.636C>T on transcript NM_001270508.2 (MANE Select); coding-DNA position 636, C replaced by T.
Protein change: p.Asp212=; no amino-acid change (aspartic acid 212 retained).
Molecular consequence: synonymous variant.
Genome position (GRCh38, 1-based): chr6:137,875,997, C>T. VCF-style: chr6-137875997-C-T. GRCh37 (hg19) VCF-style: chr6-138197134-C-T.
Other names: c.636C>T, p.Asp212= (NM_001270507.2, NM_006290.4).
Identifiers: ClinVar variation 3061469 (VCV003061469.3), dbSNP rs2114484581, ClinGen allele CA365783958.